The following is an entry in ClinVar:

NM_022166.4(XYLT1):c.2162C>T (p.Pro721Leu)

Gene: XYLT1 (xylosyltransferase 1; minus strand). Cytogenetic location: 16p12.3.
Variant type: single nucleotide variant.
Coding change: c.2162C>T on transcript NM_022166.4 (MANE Select); coding-DNA position 2162, C replaced by T.
Protein change: p.Pro721Leu; replaces proline 721 with leucine.
Molecular consequence: missense variant.
Genome position (GRCh38, 1-based): chr16:17,127,727, G>A on the plus strand (C>T on the coding strand, the complement: XYLT1 is on the minus strand). VCF-style: chr16-17127727-G-A. GRCh37 (hg19) VCF-style: chr16-17221584-G-A.
Other names: short protein forms P721L.
Identifiers: ClinVar variation 3333600 (VCV003333600.3).
Genomic context (GRCh38, chr16:17,127,727, plus strand): 5'-TCGGAAAACTGAAGCCTCCCAAAGTCACTGGGTGGGCTTGCGATCTTGAAGACTTTTTTC[G>A]GCATCACCCAGGTCTCCAGAGTCTCTAGTTTGCTCACAGCCAGATTGGTAGCATGATGCT-3'
Protein context (NP_071449.1, residues 711-731): KLETLETWVM[Pro721Leu]KKVFKIASPP

ClinVar aggregate classification (germline): Uncertain significance. Review status: criteria provided, multiple submitters, no conflicts (2 of 4 stars). 2 submissions from 2 submitters: Uncertain significance (2). Last evaluated 2024-10-17.

Conditions:
Desbuquois dysplasia 1 (DBQD1). Also called: DESBUQUOIS DYSPLASIA 1, KIM VARIANT; MICROMELIC DWARFISM WITH VERTEBRAL AND METAPHYSEAL ABNORMALITIES AND ADVANCED CARPOTARSAL OSSIFICATION. Identifiers: Orphanet 1425, MedGen C4012146, MONDO:0009629, OMIM 251450.
Inborn genetic diseases. Identifiers: MedGen C0950123, MeSH D030342.

gnomAD v4.1: 63 of 1,613,706 alleles (0.0039%); highest among the groups gnomAD compares: South Asian, 0.0077%; no homozygotes.

Submissions (2):

Labcorp Genetics (formerly Invitae), Labcorp
Classification: Uncertain significance for Desbuquois dysplasia 1. Last evaluated: 2024-10-17. Review status: criteria provided, single submitter. Criteria: Invitae Variant Classification Sherloc (09022015). Collection method: clinical testing. Allele origin: germline.
Comment: This sequence change replaces proline, which is neutral and non-polar, with leucine, which is neutral and non-polar, at codon 721 of the XYLT1 protein (p.Pro721Leu). This variant is present in population databases (rs767151460, gnomAD 0.003%). This variant has not been reported in the literature in individuals affected with XYLT1-related conditions. Invitae Evidence Modeling of protein sequence and biophysical properties (such as structural, functional, and spatial information, amino acid conservation, physicochemical variation, residue mobility, and thermodynamic stability) indicates that this missense variant is not expected to disrupt XYLT1 protein function with a negative predictive value of 80%. In summary, the available evidence is currently insufficient to determine the role of this variant in disease. Therefore, it has been classified as a Variant of Uncertain Significance.

Ambry Genetics
Classification: Uncertain significance for Inborn genetic diseases. Last evaluated: 2024-03-18. Review status: criteria provided, single submitter. Criteria: Ambry Variant Classification Scheme 2023. Collection method: clinical testing. Allele origin: germline.